The following is an entry in ClinVar:

ClinVar aggregate classification (germline): Likely benign (0 of 4 stars; one submission).

Conditions:
TRIO-related disorder. Also called: TRIO-related disorders; TRIO-related condition.

Allele frequency attached by ClinVar (database versions not stated): TOPMed 0.00003; gnomAD 0.00004; ExAC 0.00007; gnomAD exomes 0.00007; ESP Exome Variant Server 0.00008.
gnomAD v4.1: 115 of 1,613,690 alleles (0.0071%); highest among the groups gnomAD compares: East Asian, 0.013%; no homozygotes.

Submission:

PreventionGenetics, part of Exact Sciences
Classification: Likely benign for TRIO-related condition. Last evaluated: 2019-02-28. Review status: no assertion criteria provided. Collection method: clinical testing. Allele origin: germline.
Comment: This variant is classified as likely benign based on ACMG/AMP sequence variant interpretation guidelines (Richards et al. 2015 PMID: 25741868, with internal and published modifications).

NM_007118.4(TRIO):c.4860-6C>T

Genes: TRIO (trio Rho guanine nucleotide exchange factor; plus strand), LOC126807322 (P300/CBP strongly-dependent group 1 enhancer GRCh37_chr5:14406263-14407462; plus strand). Cytogenetic location: 5p15.2.
Variant type: single nucleotide variant.
Coding change: c.4860-6C>T on transcript NM_007118.4 (MANE Select); 6 bases into the intron before coding-DNA position 4860, C replaced by T.
Molecular consequence: intron variant.
Genome position (GRCh38, 1-based): chr5:14,406,567, C>T. VCF-style: chr5-14406567-C-T. GRCh37 (hg19) VCF-style: chr5-14406676-C-T.
Identifiers: ClinVar variation 3058768 (VCV003058768.2), dbSNP rs368866246, ClinGen allele CA3206604.